The following is an entry in ClinVar:

NM_005236.3(ERCC4):c.1217A>G (p.Gln406Arg)

Gene: ERCC4 (ERCC excision repair 4, endonuclease catalytic subunit; plus strand). Cytogenetic location: 16p13.12.
Variant type: single nucleotide variant.
Coding change: c.1217A>G on transcript NM_005236.3 (MANE Select); coding-DNA position 1217, A replaced by G.
Protein change: p.Gln406Arg; replaces glutamine 406 with arginine.
Molecular consequence: missense variant.
Genome position (GRCh38, 1-based): chr16:13,935,149, A>G. VCF-style: chr16-13935149-A-G. GRCh37 (hg19) VCF-style: chr16-14029006-A-G.
Other names: short protein forms Q406R.
Identifiers: ClinVar variation 317810 (VCV000317810.12), dbSNP rs762147159, ClinGen allele CA7910427.
Genomic context (GRCh38, chr16:13,935,149, plus strand): 5'-GGGAAACTAGGAGGACAAGTGAGGTAATAGTAACATAATGTTGTTTTCTATTTTCAGGTC[A>G]AGTACTGATTTGTGCAAGTGATGACCGAACATGTTCCCAGCTGAGAGACTATATCACTCT-3'
Protein context (NP_005227.1, residues 396-416): KESEALGGPG[Gln406Arg]VLICASDDRT

ClinVar aggregate classification (germline): Uncertain significance. Review status: criteria provided, multiple submitters, no conflicts (2 of 4 stars). 5 submissions from 5 submitters: Uncertain significance (4). 1 of the submissions does not count toward it. Last evaluated 2022-04-21.

Conditions:
Xeroderma pigmentosum, group F (XPF). Also called: XERODERMA PIGMENTOSUM, COMPLEMENTATION GROUP F; XERODERMA PIGMENTOSUM VI; XP, GROUP F; ERCC4-Related Xeroderma Pigmentosum; XERODERMA PIGMENTOSUM, TYPE F; Xeroderma pigmentosum, type 6. Identifiers: MedGen C0268140, MONDO:0010215, OMIM 278760.
XFE progeroid syndrome (XFEPS). Also called: XPF-ERCC1 PROGEROID SYNDROME. Identifiers: MedGen C1970416, MONDO:0012590, OMIM 610965.
Fanconi anemia complementation group Q. Identifiers: Orphanet 84, MedGen C3808988, MONDO:0014108, OMIM 615272.
ERCC4-related disorder. Also called: ERCC4-related condition.
Cockayne syndrome. Identifiers: Orphanet 191, MedGen C0009207, MONDO:0016006.
Xeroderma pigmentosum (XP). Identifiers: Orphanet 910, MedGen C0043346, MONDO:0019600.

Allele frequency attached by ClinVar (database versions not stated): gnomAD 0.00001; ExAC 0.00002; gnomAD exomes 0.00002 and 0.00003; TOPMed 0.00002.
gnomAD v4.1: 38 of 1,610,074 alleles (0.0024%); highest among the groups gnomAD compares: Middle Eastern, 0.016%; no homozygotes.

Submissions (5):

Labcorp Genetics (formerly Invitae), Labcorp
Classification: Uncertain significance for Fanconi anemia complementation group Q; Xeroderma pigmentosum, group F; Cockayne syndrome. Last evaluated: 2022-04-21. Review status: criteria provided, single submitter. Criteria: Invitae Variant Classification Sherloc (09022015). Collection method: clinical testing. Allele origin: germline.
Comment: This variant has not been reported in the literature in individuals affected with ERCC4-related conditions. This variant is present in population databases (rs762147159, gnomAD 0.003%). This sequence change replaces glutamine, which is neutral and polar, with arginine, which is basic and polar, at codon 406 of the ERCC4 protein (p.Gln406Arg). ClinVar contains an entry for this variant (Variation ID: 317810). In summary, the available evidence is currently insufficient to determine the role of this variant in disease. Therefore, it has been classified as a Variant of Uncertain Significance. Algorithms developed to predict the effect of missense changes on protein structure and function output the following: SIFT: "Tolerated"; PolyPhen-2: "Benign"; Align-GVGD: "Class C0". The arginine amino acid residue is found in multiple mammalian species, which suggests that this missense change does not adversely affect protein function.

Fulgent Genetics
Classification: Uncertain significance for Xeroderma pigmentosum, group F; XFE progeroid syndrome; Fanconi anemia complementation group Q. Last evaluated: 2021-12-30. Review status: criteria provided, single submitter. Criteria: ACMG Guidelines, 2015. Collection method: clinical testing. Allele origin: unknown.

Sema4
Classification: Uncertain significance for Xeroderma pigmentosum. Last evaluated: 2021-06-14. Review status: criteria provided, single submitter. Criteria: Sema4 Curation Guidelines. Collection method: curation. Allele origin: germline.
Comment: To the best of our knowledge, the ERCC4 c.1217A>G (p.Q406R) variant has not been reported in individuals with ERCC4-related disease. It was observed in 3/113512 chromosomes of the Non-Finnish European subpopulation in the large and broad cohorts of the Genome Aggregation Database (PMID: 32461654). The variant has been reported in ClinVar (Variation ID 317810). In silico tools suggest the impact of the variant on protein function is benign though these predictions have not been confirmed by functional studies. The evidence is insufficient to meet ACMG/AMP criteria for classifying the variant as benign or pathogenic. Thus, the clinical significance of this variant is currently uncertain.

Illumina Laboratory Services, Illumina
Classification: Uncertain significance for Xeroderma pigmentosum, group F. Last evaluated: 2018-01-12. Review status: criteria provided, single submitter. Criteria: ICSL Variant Classification Criteria 13 December 2019. Collection method: clinical testing. Allele origin: germline.

PreventionGenetics, part of Exact Sciences
Classification: Uncertain significance for ERCC4-related condition. Last evaluated: 2024-08-07. Review status: no assertion criteria provided. Collection method: clinical testing. Allele origin: germline. Not counted in ClinVar's aggregate classification.
Comment: The ERCC4 c.1217A>G variant is predicted to result in the amino acid substitution p.Gln406Arg. To our knowledge, this variant has not been reported in the literature. This variant is reported in 0.0026% of alleles in individuals of European (Non-Finnish) descent in gnomAD. At this time, the clinical significance of this variant is uncertain due to the absence of conclusive functional and genetic evidence.